The following is an entry in ClinVar:

ClinVar aggregate classification (germline): Uncertain significance (1 of 4 stars; one submission).

Conditions:
PINK1-related disorder. Also called: PINK1-related condition.

gnomAD v4.1: 14 of 1,610,584 alleles (0.00087%); highest among the groups gnomAD compares: Non-Finnish European, 0.0011%; no homozygotes.

Submission:

PreventionGenetics, part of Exact Sciences
Classification: Uncertain significance for PINK1-related condition. Last evaluated: 2025-01-24. Review status: criteria provided, single submitter. Criteria: ACMG Guidelines, 2015. Collection method: clinical testing. Allele origin: germline.
Comment: The PINK1 c.674C>T variant is predicted to result in the amino acid substitution p.Ser225Leu. To our knowledge, this variant has not been reported in the literature. This variant is reported in 0.00090% of alleles in individuals of European (Non-Finnish) descent in gnomAD. At this time, the clinical significance of this variant is uncertain due to the absence of conclusive functional and genetic evidence.

NM_032409.3(PINK1):c.674C>T (p.Ser225Leu)

Gene: PINK1 (PTEN induced kinase 1; plus strand). Cytogenetic location: 1p36.12.
Variant type: single nucleotide variant.
Coding change: c.674C>T on transcript NM_032409.3 (MANE Select); coding-DNA position 674, C replaced by T.
Protein change: p.Ser225Leu; replaces serine 225 with leucine.
Molecular consequence: missense variant.
Genome position (GRCh38, 1-based): chr1:20,638,128, C>T. VCF-style: chr1-20638128-C-T. GRCh37 (hg19) VCF-style: chr1-20964621-C-T.
Other names: short protein forms S225L.
Identifiers: ClinVar variation 4996663 (VCV004996663.1).